The following is an entry in ClinVar:

NM_001041.4(SI):c.1583C>T (p.Pro528Leu)

Gene: SI (sucrase-isomaltase; minus strand). Cytogenetic location: 3q26.1.
Variant type: single nucleotide variant.
Coding change: c.1583C>T on transcript NM_001041.4 (MANE Select); coding-DNA position 1583, C replaced by T.
Protein change: p.Pro528Leu; replaces proline 528 with leucine.
Molecular consequence: missense variant.
Genome position (GRCh38, 1-based): chr3:165,049,805, G>A on the plus strand (C>T on the coding strand, the complement: SI is on the minus strand). VCF-style: chr3-165049805-G-A. GRCh37 (hg19) VCF-style: chr3-164767593-G-A.
Other names: short protein forms P528L.
Identifiers: ClinVar variation 2115905 (VCV002115905.4), dbSNP rs746292703, ClinGen allele CA2691021.
Genomic context (GRCh38, chr3:165,049,805, plus strand): 5'-ATTATTCTCAATTAAAACAGTAATTAGATAACCAAATAAATTTTACCAGGAGTAAACGGT[G>A]GATAATTCAATTTGTTTACATTACATCCTTTTGTTGAACCTTGAATAAAGCTGGAAACTT-3'
Protein context (NP_001032.2, residues 518-538): KGCNVNKLNY[Pro528Leu]PFTPDILDKL

ClinVar aggregate classification (germline): Uncertain significance (1 of 4 stars; one submission).

Allele frequency attached by ClinVar (database versions not stated): gnomAD exomes below 0.00001; ExAC 0.00001.
gnomAD v4.1: 3 of 1,593,618 alleles (0.00019%); highest among the groups gnomAD compares: Middle Eastern, 0.018%; no homozygotes.

Submission:

Labcorp Genetics (formerly Invitae), Labcorp
Classification: Uncertain significance. Last evaluated: 2022-03-23. Review status: criteria provided, single submitter. Criteria: Invitae Variant Classification Sherloc (09022015). Collection method: clinical testing. Allele origin: germline.
Comment: In summary, the available evidence is currently insufficient to determine the role of this variant in disease. Therefore, it has been classified as a Variant of Uncertain Significance. Advanced modeling of protein sequence and biophysical properties (such as structural, functional, and spatial information, amino acid conservation, physicochemical variation, residue mobility, and thermodynamic stability) performed at Invitae indicates that this missense variant is expected to disrupt SI protein function. This variant has not been reported in the literature in individuals affected with SI-related conditions. This variant is present in population databases (rs746292703, gnomAD 0.0009%). This sequence change replaces proline, which is neutral and non-polar, with leucine, which is neutral and non-polar, at codon 528 of the SI protein (p.Pro528Leu).